The following is an entry in ClinVar:

ClinVar aggregate classification (germline): Uncertain significance (1 of 4 stars; one submission).

Submission:

GeneDx
Classification: Uncertain significance. Last evaluated: 2024-03-27. Review status: criteria provided, single submitter. Criteria: GeneDx Variant Classification Process June 2021. Collection method: clinical testing. Allele origin: germline. Affected: yes.
Comment: Not observed at significant frequency in large population cohorts (gnomAD); In silico analysis supports that this missense variant does not alter protein structure/function; Has not been previously published as pathogenic or benign to our knowledge

NM_001374353.1(GLI2):c.2425A>G (p.Ile809Val)

Gene: GLI2 (GLI family zinc finger 2; plus strand). Cytogenetic location: 2q14.2.
Variant type: single nucleotide variant.
Coding change: c.2425A>G on transcript NM_001374353.1 (MANE Select); coding-DNA position 2425, A replaced by G.
Protein change: p.Ile809Val; replaces isoleucine 809 with valine.
Molecular consequence: missense variant.
Genome position (GRCh38, 1-based): chr2:120,988,390, A>G. VCF-style: chr2-120988390-A-G. GRCh37 (hg19) VCF-style: chr2-121745966-A-G.
Other names: c.2476A>G, p.Ile826Val (NM_001371271.1, NM_005270.5); c.2050A>G, p.Ile684Val (NM_001374354.1); short protein forms I684V, I809V, I826V.
Identifiers: ClinVar variation 3371469 (VCV003371469.1).